The following is an entry in ClinVar:

ClinVar aggregate classification (germline): Uncertain significance (0 of 4 stars; one submission).

Conditions:
FGF14-related disorder. Also called: FGF14-related condition.

Submission:

PreventionGenetics, part of Exact Sciences
Classification: Uncertain significance for FGF14-related condition. Last evaluated: 2024-03-28. Review status: no assertion criteria provided. Collection method: clinical testing. Allele origin: germline.
Comment: The FGF14 c.535G>C variant is predicted to result in the amino acid substitution p.Gly179Arg. To our knowledge, this variant has not been reported in the literature or in a large population database, indicating this variant is rare. At this time, the clinical significance of this variant is uncertain due to the absence of conclusive functional and genetic evidence.

NM_004115.4(FGF14):c.535G>C (p.Gly179Arg)

Gene: FGF14 (fibroblast growth factor 14; minus strand). Cytogenetic location: 13q33.1.
Variant type: single nucleotide variant.
Coding change: c.535G>C on transcript NM_004115.4 (MANE Select); coding-DNA position 535, G replaced by C.
Protein change: p.Gly179Arg; replaces glycine 179 with arginine.
Molecular consequence: missense variant.
Genome position (GRCh38, 1-based): chr13:101,726,684, C>G on the plus strand (G>C on the coding strand, the complement: FGF14 is on the minus strand). VCF-style: chr13-101726684-C-G. GRCh37 (hg19) VCF-style: chr13-102379034-C-G.
Other names: c.283G>C, p.Gly95Arg (NM_001321931.1, NM_001321934.1, NM_001321935.1 and 4 more transcripts); c.346G>C, p.Gly116Arg (NM_001321932.1, NM_001321936.1, NM_001321944.1); c.355G>C, p.Gly119Arg (NM_001321933.1, NM_001321938.2, NM_001321940.1); c.439G>C, p.Gly147Arg (NM_001321939.2); c.349G>C, p.Gly117Arg (NM_001321941.2); c.433G>C, p.Gly145Arg (NM_001321945.2, NM_001321948.2, NM_001379342.1); c.394G>C, p.Gly132Arg (NM_001321947.2); c.550G>C, p.Gly184Arg (NM_175929.3); short protein forms G116R, G117R, G119R, G132R, G145R, G147R, G179R, G184R.
Identifiers: ClinVar variation 3344062 (VCV003344062.1).